The following is an entry in ClinVar:

ClinVar aggregate classification (germline): Uncertain significance. Review status: criteria provided, multiple submitters, no conflicts (2 of 4 stars). 2 submissions from 2 submitters: Uncertain significance (2). Last evaluated 2026-03-23.

Conditions:
Inborn genetic diseases. Identifiers: MedGen C0950123, MeSH D030342.

Submissions (2):

Women's Health and Genetics/Laboratory Corporation of America, LabCorp
Classification: Uncertain significance. Last evaluated: 2026-03-23. Review status: criteria provided, single submitter. Criteria: LabCorp Variant Classification Summary - May 2015. Collection method: clinical testing. Allele origin: germline.
Comment: Variant summary: CUL7 c.3253C>T (p.Arg1085Cys) results in a non-conservative amino acid change in the encoded protein sequence. Algorithms developed to predict the effect of missense changes on protein structure and function all suggest that this variant is likely to be disruptive. The variant allele was found at a frequency of 6.4e-05 in 249548 control chromosomes. This frequency is not significantly higher than estimated for disease-causing variants in CUL7, allowing no conclusion about variant significance. To our knowledge, no occurrence of c.3253C>T in individuals affected with CUL7-related conditions and no experimental evidence demonstrating its impact on protein function have been reported. ClinVar contains an entry for this variant (Variation ID: 3768247). Based on the evidence outlined above, the variant was classified as uncertain significance.

Ambry Genetics
Classification: Uncertain significance for Inborn genetic diseases. Last evaluated: 2025-01-08. Review status: criteria provided, single submitter. Criteria: Ambry Variant Classification Scheme 2023. Collection method: clinical testing. Allele origin: germline.

NM_014780.5(CUL7):c.3253C>T (p.Arg1085Cys)

Gene: CUL7 (cullin 7; minus strand). Cytogenetic location: 6p21.1.
Variant type: single nucleotide variant.
Coding change: c.3253C>T on transcript NM_014780.5 (MANE Select); coding-DNA position 3253, C replaced by T.
Protein change: p.Arg1085Cys; replaces arginine 1085 with cysteine.
Molecular consequence: missense variant.
Genome position (GRCh38, 1-based): chr6:43,043,550, G>A on the plus strand (C>T on the coding strand, the complement: CUL7 is on the minus strand). VCF-style: chr6-43043550-G-A. GRCh37 (hg19) VCF-style: chr6-43011288-G-A.
Other names: c.3253C>T (NM_014780.4); c.3349C>T, p.Arg1117Cys (NM_001168370.2, NM_001374872.1); c.3253C>T, p.Arg1085Cys (NM_001374873.1, NM_001374874.1); short protein forms R1085C, R1117C.
Identifiers: ClinVar variation 3768247 (VCV003768247.3).